The following is an entry in ClinVar:

NM_001378454.1(ALMS1):c.8373_8379del (p.Arg2792fs)

Gene: ALMS1 (ALMS1 centrosome and basal body associated protein; plus strand). Cytogenetic location: 2p13.1.
Variant type: Deletion.
Coding change: c.8373_8379del on transcript NM_001378454.1 (MANE Select); coding-DNA positions 8373 to 8379, 7 bases deleted (TAGAAGG; older notation c.8373_8379delTAGAAGG).
Protein change: p.Arg2792fs; shifts the reading frame from arginine 2792.
Molecular consequence: frameshift variant.
Genome position (GRCh38, 1-based): chr2:73,490,332-73,490,338, TAGAAGG deleted; deleting any 7 consecutive bases within chr2:73,490,326-73,490,338 gives the same sequence; the c. name uses the placement nearest the transcript's 3' end. VCF-style (leftmost placement, unchanged base first): chr2-73490325-CAGAAGGT-C. GRCh37 (hg19) VCF-style: chr2-73717452-CAGAAGGT-C.
Other names: c.8376_8382del, p.Arg2793fs (NM_015120.4); short protein forms R2792fs, R2793fs.
Identifiers: ClinVar variation 4815805 (VCV004815805.1).
Genomic context (GRCh38, chr2:73,490,325, plus strand): 5'-CTTCCCCTTCATCATTTAAAATGCATAGTAATTCACAAGATAAAGAAGTGACTATTTTAG[CAGAAGGT>C]AGAAGGCAAAGCCAAAAATTACCTGTTGATTTTGAGCGTTCTTTTCAAGAAGAAAAACCC-3'

ClinVar aggregate classification (germline): Likely pathogenic (1 of 4 stars; one submission).

Conditions:
Alstrom syndrome (ALMS). Identifiers: Orphanet 64, MedGen C0268425, MONDO:0008763, OMIM 203800.

Submission:

Natera, Inc.
Classification: Likely pathogenic for Alstrom syndrome. Last evaluated: 2026-01-28. Review status: criteria provided, single submitter. Criteria: Natera Variant Classification Schema (03/2026). Collection method: clinical testing. Allele origin: germline.
Comment: The c.8376_8382del variant in ALMS1 is a frameshift variant predicted to shift the reading frame beginning at codon 2793 and leads to a stop codon 19 codons downstream. This variant is expected to result in nonsense mediated decay, truncation, or a dysfunctional protein product. This variant is rare in the general population with a frequency below the threshold expected for the associated phenotype(s). Given the available evidence, this variant is classified as Likely Pathogenic.